The following is an entry in ClinVar:

NM_006231.4(POLE):c.1687-3T>G

Gene: POLE (DNA polymerase epsilon, catalytic subunit; minus strand). Cytogenetic location: 12q24.33.
Variant type: single nucleotide variant.
Coding change: c.1687-3T>G on transcript NM_006231.4 (MANE Select); 3 bases into the intron before coding-DNA position 1687, T replaced by G.
Molecular consequence: intron variant.
Genome position (GRCh38, 1-based): chr12:132,672,325, A>C on the plus strand (T>G on the coding strand, the complement: POLE is on the minus strand). VCF-style: chr12-132672325-A-C. GRCh37 (hg19) VCF-style: chr12-133248911-A-C.
Identifiers: ClinVar variation 473480 (VCV000473480.22), dbSNP rs148115738, ClinGen allele CA246293032.

ClinVar aggregate classification (germline): Conflicting classifications of pathogenicity. Review status: criteria provided, conflicting classifications (1 of 4 stars). 5 submissions from 5 submitters: Uncertain significance (4); Benign (1). Last evaluated 2026-01-08.

Conditions:
Colorectal cancer, susceptibility to, 12 (CRCS12). Also called: COLORECTAL CANCER, SUSCEPTIBILITY TO, ON CHROMOSOME 12q24. Identifiers: Orphanet 220460, MedGen C3554460, MONDO:0014038, OMIM 615083.
Intrauterine growth retardation, metaphyseal dysplasia, adrenal hypoplasia congenita, genital anomalies, and immunodeficiency. Also called: IMAGEI SYNDROME. Identifiers: MedGen C5193036, MONDO:0032684, OMIM 618336.
Facial dysmorphism-immunodeficiency-livedo-short stature syndrome. Also called: FILS syndrome; Facial dysmorphism, immunodeficiency, livedo, and short stature. Identifiers: Orphanet 352712, MedGen C3554576, MONDO:0014058, OMIM 615139.
Hereditary cancer-predisposing syndrome. Also called: Tumor predisposition; Hereditary neoplastic syndrome; Hereditary Cancer Syndrome; Neoplastic Syndromes, Hereditary. Identifiers: Orphanet 140162, MedGen C0027672, MeSH D009386, MONDO:0015356.

Allele frequency attached by ClinVar (database versions not stated): gnomAD 0.00001; gnomAD exomes 0.00001 and 0.00005; TOPMed 0.00001; 1000 Genomes Project 0.00020; 1000 Genomes Project 30x 0.00031.

Submissions (5):

Ambry Genetics
Classification: Uncertain significance for Hereditary cancer-predisposing syndrome. Last evaluated: 2026-01-08. Review status: criteria provided, single submitter. Criteria: Ambry Variant Classification Scheme 2023. Collection method: clinical testing. Allele origin: germline.
Comment: The c.1687-3T>G intronic variant results from a T to G substitution 3 nucleotides upstream from coding exon 16 in the POLE gene. This nucleotide position is not well conserved in available vertebrate species. In silico splice site analysis predicts that this alteration will weaken the native splice acceptor site; however, direct evidence is insufficient at this time (Ambry internal data). Based on the available evidence, the clinical significance of this variant remains unclear.

Labcorp Genetics (formerly Invitae), Labcorp
Classification: Benign. Last evaluated: 2025-12-31. Review status: criteria provided, single submitter. Criteria: Invitae Variant Classification Sherloc (09022015). Collection method: clinical testing. Allele origin: germline.

Fulgent Genetics
Classification: Uncertain significance for Colorectal cancer, susceptibility to, 12; Facial dysmorphism-immunodeficiency-livedo-short stature syndrome; Intrauterine growth retardation, metaphyseal dysplasia, adrenal hypoplasia congenita, genital anomalies, and immunodeficiency. Last evaluated: 2024-04-11. Review status: criteria provided, single submitter. Criteria: ACMG Guidelines, 2015. Collection method: clinical testing. Allele origin: germline.

Blueprint Genetics
Classification: Uncertain significance. Last evaluated: 2023-11-13. Review status: criteria provided, single submitter. Criteria: ACMG Guidelines, 2015. Collection method: clinical testing. Allele origin: germline.

GeneDx
Classification: Uncertain significance. Last evaluated: 2022-11-23. Review status: criteria provided, single submitter. Criteria: GeneDx Variant Classification Process June 2021. Collection method: clinical testing. Allele origin: germline. Affected: yes.
Comment: Not observed at significant frequency in large population cohorts (gnomAD); In silico analysis supports a deleterious effect on splicing; Has not been previously published as pathogenic or benign to our knowledge